The following is an entry in ClinVar:

NM_000368.4(TSC1):c.-221T>C

Gene: TSC1 (TSC complex subunit 1; minus strand). Cytogenetic location: 9q34.13.
Variant type: single nucleotide variant.
Coding change: c.-221T>C on transcript NM_000368.4; 221 bases upstream of the start codon, T replaced by C.
Genome position (GRCh38, 1-based): chr9:132,944,620, A>G on the plus strand (T>C on the coding strand, the complement: TSC1 is on the minus strand). VCF-style: chr9-132944620-A-G. GRCh37 (hg19) VCF-style: chr9-135820007-A-G.
Other names: c.-221T>C (NM_000368.3).
Identifiers: ClinVar variation 3356370 (VCV003356370.1).

ClinVar aggregate classification (germline): Likely benign (0 of 4 stars; one submission).

Conditions:
TSC1-related disorder. Also called: TSC1-related condition.

gnomAD v4.1: 68 of 398,216 alleles (0.017%); highest among the groups gnomAD compares: African/African-American, 0.13%; no homozygotes.

Submission:

PreventionGenetics, part of Exact Sciences
Classification: Likely benign for TSC1-related condition. Last evaluated: 2024-08-09. Review status: no assertion criteria provided. Collection method: clinical testing. Allele origin: germline.
Comment: This variant is classified as likely benign based on ACMG/AMP sequence variant interpretation guidelines (Richards et al. 2015 PMID: 25741868, with internal and published modifications).